The following is an entry in ClinVar:

ClinVar aggregate classification (germline): Uncertain significance (1 of 4 stars; one submission).

Conditions:
Bethlem myopathy 1A. Also called: MYOPATHY, BENIGN CONGENITAL, WITH CONTRACTURES; Bethlem myopathy 1; Bethlem Muscular Dystrophy. Identifiers: Orphanet 610, MedGen CN029274, MONDO:0024530, OMIM 158810.

Submission:

Labcorp Genetics (formerly Invitae), Labcorp
Classification: Uncertain significance for Bethlem myopathy 1. Last evaluated: 2019-11-19. Review status: criteria provided, single submitter. Criteria: Invitae Variant Classification Sherloc (09022015). Collection method: clinical testing. Allele origin: germline.
Comment: This variant, c.8637_8654dup, results in the insertion of 6 amino acid(s) to the COL6A3 protein (p.Lys2881_Thr2886dup), but otherwise preserves the integrity of the reading frame. This variant is not present in population databases (ExAC no frequency). This variant has not been reported in the literature in individuals with COL6A3-related conditions. Algorithms developed to predict the effect of sequence changes on RNA splicing suggest that this variant may create or strengthen a splice site, but this prediction has not been confirmed by published transcriptional studies. In summary, the available evidence is currently insufficient to determine the role of this variant in disease. Therefore, it has been classified as a Variant of Uncertain Significance.

NM_004369.4(COL6A3):c.8637_8654dup (p.2875KPVTTT[3])

Gene: COL6A3 (collagen type VI alpha 3 chain; minus strand). Cytogenetic location: 2q37.3.
Variant type: Duplication.
Coding change: c.8637_8654dup on transcript NM_004369.4 (MANE Select); coding-DNA positions 8637 to 8654, 18 bases duplicated (GACGAAGCCGGTGACCAC).
Protein change: p.2875KPVTTT[3].
Molecular consequence: inframe insertion.
Genome position (GRCh38, 1-based): chr2:237,336,446-237,336,463, GTGGTCACCGGCTTCGTC duplicated on the plus strand (GACGAAGCCGGTGACCAC on the coding strand, the reverse complement: COL6A3 is on the minus strand); duplicating any 18 consecutive bases within chr2:237,336,446-237,336,465 gives the same sequence; the c. name uses the placement nearest the transcript's 3' end. VCF-style (leftmost placement, unchanged base first): chr2-237336445-G-GGTGGTCACCGGCTTCGTC. GRCh37 (hg19) VCF-style: chr2-238245088-G-GGTGGTCACCGGCTTCGTC.
Other names: c.6816_6833dup, p.2268KPVTTT[3] (NM_057166.5); c.8019_8036dup, p.2669KPVTTT[3] (NM_057167.4).
Identifiers: ClinVar variation 859376 (VCV000859376.1), dbSNP rs1167608831, ClinGen allele CA540749778.